The following is an entry in ClinVar:

ClinVar aggregate classification (germline): Likely benign. Review status: criteria provided, single submitter (1 of 4 stars). 2 submissions from 2 submitters: Likely benign (1). 1 of the submissions does not count toward it. Last evaluated 2025-08-11.

Conditions:
ELN-related disorder.
Supravalvar aortic stenosis (SVAS). Also called: Supravalvar aortic stenosis, Eisenberg type. Identifiers: Orphanet 3193, MedGen C0003499, MONDO:0008504, OMIM 185500, HP:0004381.

gnomAD v4.1: 58 of 1,613,962 alleles (0.0036%); highest among the groups gnomAD compares: African/African-American, 0.008%; 1 homozygote.

Submissions (2):

Labcorp Genetics (formerly Invitae), Labcorp
Classification: Likely benign for Supravalvar aortic stenosis. Last evaluated: 2025-08-11. Review status: criteria provided, single submitter. Criteria: Invitae Variant Classification Sherloc (09022015). Collection method: clinical testing. Allele origin: germline.

PreventionGenetics, part of Exact Sciences
Classification: Likely benign for ELN-related condition. Last evaluated: 2021-10-26. Review status: no assertion criteria provided. Collection method: clinical testing. Allele origin: germline. Not counted in ClinVar's aggregate classification.
Comment: This variant is classified as likely benign based on ACMG/AMP sequence variant interpretation guidelines (Richards et al. 2015 PMID: 25741868, with internal and published modifications).

NM_000501.4(ELN):c.134-5C>G

Gene: ELN (elastin; plus strand). Cytogenetic location: 7q11.23.
Variant type: single nucleotide variant.
Coding change: c.134-5C>G on transcript NM_000501.4 (MANE Select); 5 bases into the intron before coding-DNA position 134, C replaced by G.
Molecular consequence: intron variant.
Genome position (GRCh38, 1-based): chr7:74,036,550, C>G. VCF-style: chr7-74036550-C-G. GRCh37 (hg19) VCF-style: chr7-73450880-C-G.
Other names: c.134-5C>G (NM_000501.3, NM_001081754.3, NM_001081753.3 and 6 more transcripts); c.133+1136C>G (NM_001278914.2, NM_001278917.2, NM_001081752.3 and 1 more transcripts).
Identifiers: ClinVar variation 1595511 (VCV001595511.10), dbSNP rs202142516, ClinGen allele CA4292317.